The following is an entry in ClinVar:

ClinVar aggregate classification (germline): Pathogenic/Likely pathogenic. Review status: criteria provided, multiple submitters, no conflicts (2 of 4 stars). 2 submissions from 2 submitters: Pathogenic (1); Likely pathogenic (1). Last evaluated 2025-09-10.

Conditions:
Werner syndrome (WRN). Identifiers: Orphanet 902, MedGen C0043119, MONDO:0010196, OMIM 277700.

Allele frequency attached by ClinVar (database versions not stated): gnomAD exomes below 0.00001; TOPMed below 0.00001; ExAC 0.00001; gnomAD 0.00001; ESP Exome Variant Server 0.00008.
gnomAD v4.1: 3 of 1,611,632 alleles (0.00019%); highest among the groups gnomAD compares: Non-Finnish European, 0.00025%; no homozygotes.

Submissions (2):

Genomic Medicine Center of Excellence, King Faisal Specialist Hospital and Research Centre
Classification: Pathogenic for Werner syndrome. Last evaluated: 2025-09-10. Review status: criteria provided, single submitter. Criteria: ACMG Guidelines, 2015. Collection method: clinical testing. Allele origin: germline.

Labcorp Genetics (formerly Invitae), Labcorp
Classification: Likely pathogenic for Werner syndrome. Last evaluated: 2023-08-16. Review status: criteria provided, single submitter. Criteria: Invitae Variant Classification Sherloc (09022015). Collection method: clinical testing. Allele origin: germline.
Comment: In summary, the currently available evidence indicates that the variant is pathogenic, but additional data are needed to prove that conclusively. Therefore, this variant has been classified as Likely Pathogenic. This sequence change affects an acceptor splice site in intron 7 of the WRN gene. It is expected to disrupt RNA splicing. Variants that disrupt the donor or acceptor splice site typically lead to a loss of protein function (PMID: 16199547), and loss-of-function variants in WRN are known to be pathogenic (PMID: 16673358). This variant is present in population databases (rs377215256, gnomAD 0.0009%). This variant has not been reported in the literature in individuals affected with WRN-related conditions. Algorithms developed to predict the effect of sequence changes on RNA splicing suggest that this variant may disrupt the consensus splice site.

Literature cited by the submitters: PubMed 16199547 (cited by Labcorp Genetics (formerly Invitae), Labcorp); PubMed 16673358 (cited by Labcorp Genetics (formerly Invitae), Labcorp).

NM_000553.6(WRN):c.725-1G>A

Gene: WRN (WRN RecQ like helicase; plus strand). Cytogenetic location: 8p12.
Variant type: single nucleotide variant.
Coding change: c.725-1G>A on transcript NM_000553.6 (MANE Select); the canonical splice acceptor site of the intron before coding-DNA position 725, G replaced by A.
Molecular consequence: splice acceptor variant.
Genome position (GRCh38, 1-based): chr8:31,076,172, G>A. VCF-style: chr8-31076172-G-A. GRCh37 (hg19) VCF-style: chr8-30933688-G-A.
Identifiers: ClinVar variation 2902703 (VCV002902703.4), dbSNP rs377215256, ClinGen allele CA4704156.
Genomic context (GRCh38, chr8:31,076,172, plus strand): 5'-GGCTAAATGAATATCTCTGCTTTGTGGTTTGAAAATTAATATTGATTTTTTTTCCCCCTA[G>A]AGGAAGAAATCCTACTTAGCGACATGAACAAACAGTTGACTTCAATCTCTGAGGAAGTGA-3'